The following is an entry in ClinVar:

ClinVar aggregate classification (germline): Likely benign (1 of 4 stars; one submission).

gnomAD v4.1: 302 of 1,098,590 alleles (0.027%); highest among the groups gnomAD compares: Non-Finnish European, 0.031%; no homozygotes.

Submission:

CeGaT Center for Human Genetics Tuebingen
Classification: Likely benign. Last evaluated: 2026-05-01. Review status: criteria provided, single submitter. Criteria: CeGaT Center For Human Genetics Tuebingen Variant Classification Criteria Version 2. Collection method: clinical testing. Allele origin: germline. Affected: yes. Observed: 1 variant allele.
Comment: TAF4: BP4, BP7

NM_003185.4(TAF4):c.576C>T (p.Pro192=)

Gene: TAF4 (TATA-box binding protein associated factor 4; minus strand). Cytogenetic location: 20q13.33.
Variant type: single nucleotide variant.
Coding change: c.576C>T on transcript NM_003185.4 (MANE Select); coding-DNA position 576, C replaced by T.
Protein change: p.Pro192=; no amino-acid change (proline 192 retained).
Molecular consequence: synonymous variant.
Genome position (GRCh38, 1-based): chr20:62,065,235, G>A on the plus strand (C>T on the coding strand, the complement: TAF4 is on the minus strand). VCF-style: chr20-62065235-G-A. GRCh37 (hg19) VCF-style: chr20-60640291-G-A.
Identifiers: ClinVar variation 4873468 (VCV004873468.2).